The following is an entry in ClinVar:

NM_024753.5(TTC21B):c.2994A>G (p.Arg998=)

Gene: TTC21B (tetratricopeptide repeat domain 21B; minus strand). Cytogenetic location: 2q24.3.
Variant type: single nucleotide variant.
Coding change: c.2994A>G on transcript NM_024753.5 (MANE Select); coding-DNA position 2994, A replaced by G.
Protein change: p.Arg998=; no amino-acid change (arginine 998 retained).
Molecular consequence: synonymous variant.
Genome position (GRCh38, 1-based): chr2:165,890,945, T>C on the plus strand (A>G on the coding strand, the complement: TTC21B is on the minus strand). VCF-style: chr2-165890945-T-C. GRCh37 (hg19) VCF-style: chr2-166747455-T-C.
Identifiers: ClinVar variation 1450105 (VCV001450105.6), dbSNP rs2105292113, ClinGen allele CA429974400.

ClinVar aggregate classification (germline): Uncertain significance (1 of 4 stars; one submission).

Conditions:
Nephronophthisis. Also called: Juvenile Nephronophthisis. Identifiers: Orphanet 655, MedGen C0687120, MONDO:0019005, HP:0000090.
Jeune thoracic dystrophy. Also called: Jeune syndrome; Infantile thoracic dystrophy; Thoracic pelvic phalangeal dystrophy; Jeune's syndrome; Chondroectodermal dysplasia-like syndrome; Short-rib thoracic dysplasia. Identifiers: Orphanet 474, MedGen C0265275, MONDO:0018770.

Submission:

Labcorp Genetics (formerly Invitae), Labcorp
Classification: Uncertain significance for Jeune thoracic dystrophy; Nephronophthisis. Last evaluated: 2021-08-15. Review status: criteria provided, single submitter. Criteria: Invitae Variant Classification Sherloc (09022015). Collection method: clinical testing. Allele origin: germline.
Comment: This sequence change affects codon 998 of the TTC21B mRNA. It is a 'silent' change, meaning that it does not change the encoded amino acid sequence of the TTC21B protein. This variant is not present in population databases (ExAC no frequency). In summary, the available evidence is currently insufficient to determine the role of this variant in disease. Therefore, it has been classified as a Variant of Uncertain Significance. Algorithms developed to predict the effect of sequence changes on RNA splicing suggest that this variant may create or strengthen a splice site. This variant has not been reported in the literature in individuals affected with TTC21B-related conditions.